The following is an entry in ClinVar:

NM_001365088.1(SLC12A6):c.901A>G (p.Ile301Val)

Gene: SLC12A6 (solute carrier family 12 member 6; minus strand). Cytogenetic location: 15q14.
Variant type: single nucleotide variant.
Coding change: c.901A>G on transcript NM_001365088.1 (MANE Select); coding-DNA position 901, A replaced by G.
Protein change: p.Ile301Val; replaces isoleucine 301 with valine.
Molecular consequence: missense variant.
Genome position (GRCh38, 1-based): chr15:34,254,565, T>C on the plus strand (A>G on the coding strand, the complement: SLC12A6 is on the minus strand). VCF-style: chr15-34254565-T-C. GRCh37 (hg19) VCF-style: chr15-34546766-T-C.
Other names: c.724A>G, p.Ile242Val (NM_001042494.2, NM_001042495.2); c.874A>G, p.Ile292Val (NM_001042496.2); c.856A>G, p.Ile286Val (NM_001042497.2); c.748A>G, p.Ile250Val (NM_005135.2); c.901A>G, p.Ile301Val (NM_133647.2); short protein forms I301V, I242V, I286V, I292V, I250V.
Identifiers: ClinVar variation 2059918 (VCV002059918.19), dbSNP rs200110068, ClinGen allele CA7464446.

ClinVar aggregate classification (germline): Conflicting classifications of pathogenicity. Review status: criteria provided, conflicting classifications (1 of 4 stars). 3 submissions from 3 submitters: Uncertain significance (2); Likely benign (1). Last evaluated 2025-11-18.

Allele frequency attached by ClinVar (database versions not stated): ExAC 0.00006; ESP Exome Variant Server 0.00008; gnomAD 0.00010; TOPMed 0.00010; gnomAD exomes 0.00018.
gnomAD v4.1: 269 of 1,609,892 alleles (0.017%); highest among the groups gnomAD compares: Non-Finnish European, 0.022%; no homozygotes.

Submissions (3):

Labcorp Genetics (formerly Invitae), Labcorp
Classification: Uncertain significance. Last evaluated: 2025-11-18. Review status: criteria provided, single submitter. Criteria: Invitae Variant Classification Sherloc (09022015). Collection method: clinical testing. Allele origin: germline.
Comment: This sequence change replaces isoleucine, which is neutral and non-polar, with valine, which is neutral and non-polar, at codon 301 of the SLC12A6 protein (p.Ile301Val). This variant is present in population databases (rs200110068, gnomAD 0.02%). This variant has not been reported in the literature in individuals affected with SLC12A6-related conditions. ClinVar contains an entry for this variant (Variation ID: 2059918). Invitae Evidence Modeling of protein sequence and biophysical properties (such as structural, functional, and spatial information, amino acid conservation, physicochemical variation, residue mobility, and thermodynamic stability) indicates that this missense variant is not expected to disrupt SLC12A6 protein function with a negative predictive value of 80%. In summary, the available evidence is currently insufficient to determine the role of this variant in disease. Therefore, it has been classified as a Variant of Uncertain Significance.

CeGaT Center for Human Genetics Tuebingen
Classification: Likely benign. Last evaluated: 2024-08-01. Review status: criteria provided, single submitter. Criteria: CeGaT Center For Human Genetics Tuebingen Variant Classification Criteria Version 2. Collection method: clinical testing. Allele origin: germline. Affected: yes. Observed: 1 variant allele.
Comment: SLC12A6: BS1

Centre for Clinical Genetics and Genomic Diagnostics, Zealand University Hospital
Classification: Uncertain significance. Last evaluated: 2023-01-27. Review status: criteria provided, single submitter. Criteria: ACMG Guidelines, 2015. Collection method: clinical testing. Allele origin: germline. Affected: yes.